The following is an entry in ClinVar:

ClinVar aggregate classification (germline): Likely benign (1 of 4 stars; one submission).

Submission:

GeneDx
Classification: Likely benign. Last evaluated: 2016-11-04. Review status: criteria provided, single submitter. Criteria: GeneDx Variant Classification (06012015). Collection method: clinical testing. Allele origin: germline. Affected: yes.
Comment: This variant is considered likely benign or benign based on one or more of the following criteria: it is a conservative change, it occurs at a poorly conserved position in the protein, it is predicted to be benign by multiple in silico algorithms, and/or has population frequency not consistent with disease.

NM_001267550.2(TTN):c.73710A>C (p.Ala24570=)

Genes: TTN (titin; minus strand), TTN-AS1 (TTN antisense RNA 1; plus strand). Cytogenetic location: 2q31.2.
Variant type: single nucleotide variant.
Coding change: c.73710A>C on transcript NM_001267550.2 (MANE Select); coding-DNA position 73710, A replaced by C.
Protein change: p.Ala24570=; no amino-acid change (alanine 24570 retained).
Molecular consequence: synonymous variant.
Genome position (GRCh38, 1-based): chr2:178,572,422, T>G on the plus strand (A>C on the coding strand, the complement: TTN is on the minus strand). VCF-style: chr2-178572422-T-G. GRCh37 (hg19) VCF-style: chr2-179437149-T-G.
Other names: c.68787A>C, p.Ala22929= (NM_001256850.1); c.46515A>C, p.Ala15505= (NM_003319.4); c.66006A>C, p.Ala22002= (NM_133378.4); c.46890A>C, p.Ala15630= (NM_133432.3); c.47091A>C, p.Ala15697= (NM_133437.4).
Identifiers: ClinVar variation 390489 (VCV000390489.1), dbSNP rs1057523794, ClinGen allele CA16604125.